The following is an entry in ClinVar:

ClinVar aggregate classification (germline): Pathogenic/Likely pathogenic. Review status: criteria provided, multiple submitters, no conflicts (2 of 4 stars). 3 submissions from 3 submitters: Pathogenic (2); Likely pathogenic (1). Last evaluated 2024-03-19.

Conditions:
X-linked Alport syndrome (ATS1). Also called: COL4A5-Related Nephropathy; NEPHROPATHY AND DEAFNESS, X-LINKED. Identifiers: Orphanet 63, Orphanet 88917, MedGen C4746986, MONDO:0010520, OMIM 301050.

Submissions (3):

Fulgent Genetics
Classification: Pathogenic for X-linked Alport syndrome. Last evaluated: 2024-03-19. Review status: criteria provided, single submitter. Criteria: ACMG Guidelines, 2015. Collection method: clinical testing. Allele origin: germline.

Labcorp Genetics (formerly Invitae), Labcorp
Classification: Pathogenic. Last evaluated: 2023-11-22. Review status: criteria provided, single submitter. Criteria: Invitae Variant Classification Sherloc (09022015). Collection method: clinical testing. Allele origin: germline.
Comment: This sequence change replaces glycine, which is neutral and non-polar, with serine, which is neutral and polar, at codon 778 of the COL4A5 protein (p.Gly778Ser). This variant is not present in population databases (gnomAD no frequency). This missense change has been observed in individuals with Alport syndrome (PMID: 10094548). This variant is also known as p.G776S. ClinVar contains an entry for this variant (Variation ID: 24509). Advanced modeling of protein sequence and biophysical properties (such as structural, functional, and spatial information, amino acid conservation, physicochemical variation, residue mobility, and thermodynamic stability) performed at Invitae indicates that this missense variant is expected to disrupt COL4A5 protein function with a positive predictive value of 95%. This variant disrupts the triple helix domain of COL4A5. Glycine residues within the Gly-Xaa-Yaa repeats of the triple helix domain are required for the structure and stability of fibrillar collagens (PMID: 7695699, 8218237, 19344236). In COL4A5, missense variants at these glycine residues are significantly enriched in individuals with disease (PMID: 23720012, 27627812) compared to the general population (ExAC). For these reasons, this variant has been classified as Pathogenic.

Gharavi Laboratory, Columbia University
Classification: Likely pathogenic. Last evaluated: 2018-09-16. Review status: criteria provided, single submitter. Criteria: ACMG Guidelines, 2015. Collection method: research. Allele origin: germline. Affected: yes.

Literature cited by the submitters: PubMed 10094548 (cited by Labcorp Genetics (formerly Invitae), Labcorp); PubMed 7695699 (cited by Labcorp Genetics (formerly Invitae), Labcorp); PubMed 8218237 (cited by Labcorp Genetics (formerly Invitae), Labcorp); PubMed 19344236 (cited by Labcorp Genetics (formerly Invitae), Labcorp); PubMed 23720012 (cited by Labcorp Genetics (formerly Invitae), Labcorp); PubMed 27627812 (cited by Labcorp Genetics (formerly Invitae), Labcorp).

NM_033380.3(COL4A5):c.2332G>A (p.Gly778Ser)

Gene: COL4A5 (collagen type IV alpha 5 chain; plus strand). Cytogenetic location: Xq22.3.
Variant type: single nucleotide variant.
Coding change: c.2332G>A on transcript NM_033380.3 (MANE Select); coding-DNA position 2332, G replaced by A.
Protein change: p.Gly778Ser; replaces glycine 778 with serine.
Molecular consequence: missense variant.
Genome position (GRCh38, 1-based): chrX:108,606,829, G>A. VCF-style: chrX-108606829-G-A. GRCh37 (hg19) VCF-style: chrX-107850059-G-A.
Other names: c.2332G>A, p.Gly778Ser (NM_000495.5); short protein forms G778S.
Identifiers: ClinVar variation 24509 (VCV000024509.9), dbSNP rs104886174, ClinGen allele CA258662.
Genomic context (GRCh38, chrX:108,606,829, plus strand): 5'-CCACCTGGGCCACCAGGACTTCCAGGTTTCAAAGGAGCACTTGGTCCAAAAGGTGATCGT[G>A]GTTTCCCAGGACCTCCGGGTCCTCCAGGACGCACTGGCTTAGATGGGCTCCCTGGACCAA-3'
Protein context (NP_203699.1, residues 768-788): KGALGPKGDR[Gly778Ser]FPGPPGPPGR